The following is an entry in ClinVar:

ClinVar aggregate classification (germline): Uncertain significance (1 of 4 stars; one submission).

gnomAD v4.1: 1 of 1,203,716 alleles (0.000083%); highest among the groups gnomAD compares: African/African-American, 0.0017%; no homozygotes.

Submission:

GeneDx
Classification: Uncertain significance. Last evaluated: 2025-08-05. Review status: criteria provided, single submitter. Criteria: GeneDx Variant Classification Process June 2021. Collection method: clinical testing. Allele origin: germline. Affected: yes.
Comment: Not observed at significant frequency in large population cohorts (gnomAD); In silico analysis suggests that this missense variant does not alter protein structure/function; Has not been previously published as pathogenic or benign to our knowledge

NM_012310.5(KIF4A):c.2870A>G (p.Gln957Arg)

Gene: KIF4A (kinesin family member 4A; plus strand). Cytogenetic location: Xq13.1.
Variant type: single nucleotide variant.
Coding change: c.2870A>G on transcript NM_012310.5 (MANE Select); coding-DNA position 2870, A replaced by G.
Protein change: p.Gln957Arg; replaces glutamine 957 with arginine.
Molecular consequence: missense variant.
Genome position (GRCh38, 1-based): chrX:70,404,794, A>G. VCF-style: chrX-70404794-A-G. GRCh37 (hg19) VCF-style: chrX-69624644-A-G.
Other names: short protein forms Q957R.
Identifiers: ClinVar variation 4755727 (VCV004755727.1).
Genomic context (GRCh38, chrX:70,404,794, plus strand): 5'-AGCTGCAGCAAAGCCAAATGGCAGAGAAGCAGTTAGAGGAATCAGTCAGTGAAAAGGAAC[A>G]GCAGCTGCTGAGCACACTGAAGTGTCAGGTATGATCACGAGAGGTCTCCAGAGATGAGTT-3'
Protein context (NP_036442.3, residues 947-967): QLEESVSEKE[Gln957Arg]QLLSTLKCQD